The following is an entry in ClinVar:

ClinVar aggregate classification (germline): Uncertain significance. Review status: criteria provided, multiple submitters, no conflicts (2 of 4 stars). 2 submissions from 2 submitters: Uncertain significance (2). Last evaluated 2025-10-07.

Conditions:
Inborn genetic diseases. Identifiers: MedGen C0950123, MeSH D030342.
GNAS-related disorder. Identifiers: MedGen CN380105.

Submissions (2):

PreventionGenetics, part of Exact Sciences
Classification: Uncertain significance for GNAS-related condition. Last evaluated: 2025-10-07. Review status: criteria provided, single submitter. Criteria: ACMG Guidelines, 2015. Collection method: clinical testing. Allele origin: germline.
Comment: The GNAS c.383T>C variant is predicted to result in the amino acid substitution p.Val128Ala. To our knowledge, this variant has not been reported in the literature or in a large population database (gnomAD), indicating this variant is rare. At this time, the clinical significance of this variant is uncertain due to the absence of conclusive functional and genetic evidence.

Ambry Genetics
Classification: Uncertain significance for Inborn genetic diseases. Last evaluated: 2020-12-02. Review status: criteria provided, single submitter. Criteria: Ambry Variant Classification Scheme 2023. Collection method: clinical testing. Allele origin: germline.
Comment: The c.570T>C (p.G190G) alteration is located in exon 1 (coding exon 1) of the GNAS gene. This alteration consists of a T to C substitution at nucleotide position 570. This nucleotide substitution does not change the amino acid at codon 190. Based on insufficient or conflicting evidence, the clinical significance of this alteration remains unclear.

NM_080425.4(GNAS):c.570T>C (p.Gly190=)

Gene: GNAS (GNAS complex locus; plus strand). Cytogenetic location: 20q13.32.
Variant type: single nucleotide variant.
Coding change: c.570T>C on transcript NM_080425.4 (MANE Plus Clinical); coding-DNA position 570, T replaced by C.
Protein change: p.Gly190=; no amino-acid change (glycine 190 retained).
Molecular consequence: synonymous variant. On other transcripts: missense variant (2), intron variant (3).
Genome position (GRCh38, 1-based): chr20:58,853,835, T>C. VCF-style: chr20-58853835-T-C. GRCh37 (hg19) VCF-style: chr20-57428890-T-C.
Other names: c.383T>C, p.Val128Ala (NM_001077490.3, NM_001309883.1); c.570T>C, p.Gly190= (NM_001410913.1); c.*42+12949T>C (NM_016592.5); c.43+12949T>C (NM_001410912.1); c.-39+11960T>C (NM_001309861.2); short protein forms V128A.
Identifiers: ClinVar variation 2355759 (VCV002355759.3), dbSNP rs1239367007, ClinGen allele CA409456483.
Genomic context (GRCh38, chr20:58,853,835, plus strand): 5'-CCAGAGAGGCTGCAGTCAACTTCTCTTACAGGTCCCAGACCTTGCTCCAGGAGGCCCAGG[T>C]GCTGCAGGGGTCCCCGGAGCTCCTCCCGAGGAGCCCCAAGCCCTCAGGCCTGCAAAGGCT-3'
Protein context (NP_536350.2, residues 180-200): QVPDLAPGGP[Gly190=]AAGVPGAPPE